The following is an entry in ClinVar:

NM_016932.5(SIX2):c.376G>A (p.Glu126Lys)

Gene: SIX2 (SIX homeobox 2; minus strand). Cytogenetic location: 2p21.
Variant type: single nucleotide variant.
Coding change: c.376G>A on transcript NM_016932.5 (MANE Select); coding-DNA position 376, G replaced by A.
Protein change: p.Glu126Lys; replaces glutamic acid 126 with lysine.
Molecular consequence: missense variant.
Genome position (GRCh38, 1-based): chr2:45,008,735, C>T on the plus strand (G>A on the coding strand, the complement: SIX2 is on the minus strand). VCF-style: chr2-45008735-C-T. GRCh37 (hg19) VCF-style: chr2-45235874-C-T.
Other names: short protein forms E126K.
Identifiers: ClinVar variation 4738610 (VCV004738610.1).

ClinVar aggregate classification (germline): Uncertain significance (1 of 4 stars; one submission).

Submission:

Labcorp Genetics (formerly Invitae), Labcorp
Classification: Uncertain significance. Last evaluated: 2025-04-30. Review status: criteria provided, single submitter. Criteria: Invitae Variant Classification Sherloc (09022015). Collection method: clinical testing. Allele origin: germline.
Comment: This sequence change replaces glutamic acid, which is acidic and polar, with lysine, which is basic and polar, at codon 126 of the SIX2 protein (p.Glu126Lys). This variant is not present in population databases (gnomAD no frequency). This variant has not been reported in the literature in individuals affected with SIX2-related conditions. Invitae Evidence Modeling of protein sequence and biophysical properties (such as structural, functional, and spatial information, amino acid conservation, physicochemical variation, residue mobility, and thermodynamic stability) indicates that this missense variant is expected to disrupt SIX2 protein function with a positive predictive value of 80%. In summary, the available evidence is currently insufficient to determine the role of this variant in disease. Therefore, it has been classified as a Variant of Uncertain Significance.